The following is an entry in ClinVar:

ClinVar aggregate classification (germline): Uncertain significance (1 of 4 stars; one submission).

Submission:

GeneDx
Classification: Uncertain significance. Last evaluated: 2020-07-14. Review status: criteria provided, single submitter. Criteria: GeneDx Variant Classification Process June 2021. Collection method: clinical testing. Allele origin: germline. Affected: yes.
Comment: Not observed in large population cohorts (Lek et al., 2016); In silico analysis supports that this missense variant has a deleterious effect on protein structure/function; Has not been previously published as pathogenic or benign to our knowledge

NM_024596.5(MCPH1):c.797C>T (p.Ser266Leu)

Gene: MCPH1 (microcephalin 1; plus strand). Cytogenetic location: 8p23.1.
Variant type: single nucleotide variant.
Coding change: c.797C>T on transcript NM_024596.5 (MANE Select); coding-DNA position 797, C replaced by T.
Protein change: p.Ser266Leu; replaces serine 266 with leucine.
Molecular consequence: missense variant. On other transcripts: non-coding transcript variant (1).
Genome position (GRCh38, 1-based): chr8:6,444,519, C>T. VCF-style: chr8-6444519-C-T. GRCh37 (hg19) VCF-style: chr8-6302040-C-T.
Other names: c.797C>T, p.Ser266Leu (NM_001172574.2, NM_001322042.2, NM_001363979.1 and 1 more transcripts); c.653C>T, p.Ser218Leu (NM_001172575.2); c.791C>T, p.Ser264Leu (NM_001322043.2); c.695C>T, p.Ser232Leu (NM_001322045.2); short protein forms S218L, S232L, S264L, S266L.
Identifiers: ClinVar variation 1312900 (VCV001312900.2), dbSNP rs1803977781, ClinGen allele CA370219877.